The following is an entry in ClinVar:

NM_001291303.3(FAT4):c.2057G>A (p.Ser686Asn)

Gene: FAT4 (FAT atypical cadherin 4; plus strand). Cytogenetic location: 4q28.1.
Variant type: single nucleotide variant.
Coding change: c.2057G>A on transcript NM_001291303.3 (MANE Select); coding-DNA position 2057, G replaced by A.
Protein change: p.Ser686Asn; replaces serine 686 with asparagine.
Molecular consequence: missense variant.
Genome position (GRCh38, 1-based): chr4:125,318,468, G>A. VCF-style: chr4-125318468-G-A. GRCh37 (hg19) VCF-style: chr4-126239623-G-A.
Other names: c.2057G>A, p.Ser686Asn (NM_001291285.3, NM_024582.6); c.2057G>A (NM_001291303.1); short protein forms S686N.
Identifiers: ClinVar variation 1198187 (VCV001198187.35), dbSNP rs374104309, ClinGen allele CA3072107.

ClinVar aggregate classification (germline): Conflicting classifications of pathogenicity. Review status: criteria provided, conflicting classifications (1 of 4 stars). 6 submissions from 6 submitters: Uncertain significance (4); Likely benign (1). 1 of the submissions does not count toward it. Last evaluated 2026-03-29.

Conditions:
FAT4-related disorder. Also called: FAT4-related condition.
Inborn genetic diseases. Identifiers: MedGen C0950123, MeSH D030342.
Van Maldergem syndrome 2 (VMLDS2). Identifiers: Orphanet 314679, MedGen C3809875, MONDO:0014242, OMIM 615546.
Hennekam lymphangiectasia-lymphedema syndrome 2 (HKLLS2). Identifiers: Orphanet 2136, MedGen C4014939, MONDO:0014454, OMIM 616006.

Allele frequency attached by ClinVar (database versions not stated): TOPMed 0.00002; ESP Exome Variant Server 0.00008; gnomAD 0.00001; gnomAD exomes 0.00001 and 0.00002; ExAC 0.00002.
gnomAD v4.1: 47 of 1,614,034 alleles (0.0029%); highest among the groups gnomAD compares: African/African-American, 0.043%; no homozygotes.

Submissions (6):

Clinical Genomics Laboratory, Washington University in St. Louis
Classification: Uncertain significance for Van Maldergem syndrome 2; Hennekam lymphangiectasia-lymphedema syndrome 2. Last evaluated: 2026-03-29. Review status: criteria provided, single submitter. Criteria: ACMG Guidelines, 2015. Collection method: clinical testing. Allele origin: germline.
Comment: A FAT4 c.2057G>A (p.Ser686Asn) variant was identified at a near heterozygous allelic fraction of 49.2%, a frequency which may be consistent with it being of germline origin. The FAT4 c.2057G>A (p.Ser686Asn) variant, to our knowledge, has not been reported in the medical literature but has been reported in the ClinVar database as a germline variant of uncertain significance by three submitters and likely benign by one submitter (ClinVar Variation ID: 1198187). This variant is only observed in 47/1,614,034 alleles in the general population (gnomAD v4.1.0), indicating it is not a common variant. Computational predictors suggest that the variant does not impact FAT4 function. Due to limited information, and based on ACMG/AMP guidelines for variant interpretation (Richards S et al., PMID: 25741868), the clinical significance of this variant is uncertain at this time.

Ambry Genetics
Classification: Uncertain significance for Inborn genetic diseases. Last evaluated: 2025-09-10. Review status: criteria provided, single submitter. Criteria: Ambry Variant Classification Scheme 2023. Collection method: clinical testing. Allele origin: germline.

CeGaT Center for Human Genetics Tuebingen
Classification: Uncertain significance. Last evaluated: 2024-11-01. Review status: criteria provided, single submitter. Criteria: CeGaT Center For Human Genetics Tuebingen Variant Classification Criteria Version 2. Collection method: clinical testing. Allele origin: germline. Affected: yes. Observed: 3 variant alleles.
Comment: FAT4: PM2

Labcorp Genetics (formerly Invitae), Labcorp
Classification: Uncertain significance. Last evaluated: 2023-12-13. Review status: criteria provided, single submitter. Criteria: Invitae Variant Classification Sherloc (09022015). Collection method: clinical testing. Allele origin: germline.
Comment: This sequence change replaces serine, which is neutral and polar, with asparagine, which is neutral and polar, at codon 686 of the FAT4 protein (p.Ser686Asn). This variant is present in population databases (rs374104309, gnomAD 0.007%). This variant has not been reported in the literature in individuals affected with FAT4-related conditions. ClinVar contains an entry for this variant (Variation ID: 1198187). Advanced modeling of protein sequence and biophysical properties (such as structural, functional, and spatial information, amino acid conservation, physicochemical variation, residue mobility, and thermodynamic stability) has been performed at Invitae for this missense variant, however the output from this modeling did not meet the statistical confidence thresholds required to predict the impact of this variant on FAT4 protein function. In summary, the available evidence is currently insufficient to determine the role of this variant in disease. Therefore, it has been classified as a Variant of Uncertain Significance.

GeneDx
Classification: Likely benign. Last evaluated: 2020-07-21. Review status: criteria provided, single submitter. Criteria: GeneDx Variant Classification Process June 2021. Collection method: clinical testing. Allele origin: germline. Affected: yes.

PreventionGenetics, part of Exact Sciences
Classification: Uncertain significance for FAT4-related condition. Last evaluated: 2023-12-07. Review status: no assertion criteria provided. Collection method: clinical testing. Allele origin: germline. Not counted in ClinVar's aggregate classification.
Comment: The FAT4 c.2057G>A variant is predicted to result in the amino acid substitution p.Ser686Asn. To our knowledge, this variant has not been reported in the literature. This variant is reported in 0.0065% of alleles in individuals of African descent in gnomAD. At this time, the clinical significance of this variant is uncertain due to the absence of conclusive functional and genetic evidence.

Literature cited by the submitters: uncertain (cited by Clinical Genomics Laboratory, Washington University in St. Louis).